The following is an entry in ClinVar:

NM_199420.4(POLQ):c.3797G>A (p.Ser1266Asn)

Gene: POLQ (DNA polymerase theta; minus strand). Cytogenetic location: 3q13.33.
Variant type: single nucleotide variant.
Coding change: c.3797G>A on transcript NM_199420.4 (MANE Select); coding-DNA position 3797, G replaced by A.
Protein change: p.Ser1266Asn; replaces serine 1266 with asparagine.
Molecular consequence: missense variant.
Genome position (GRCh38, 1-based): chr3:121,489,134, C>T on the plus strand (G>A on the coding strand, the complement: POLQ is on the minus strand). VCF-style: chr3-121489134-C-T. GRCh37 (hg19) VCF-style: chr3-121207981-C-T.
Other names: short protein forms S1266N.
Identifiers: ClinVar variation 3229964 (VCV003229964.1), dbSNP rs1309982513, ClinGen allele CA354097210.
Genomic context (GRCh38, chr3:121,489,134, plus strand): 5'-AGAAAATTCTCATGCTGGCCTTCTGATTTGCTAAATGCTCCAGCTGATGGAAGTACTTCA[C>T]TGGGTATCACAGTTCTGCTTATATCATCTCCTAATGCCTGAAAATGACTTGGTTTATTTT-3'
Protein context (NP_955452.3, residues 1256-1276): GDDISRTVIP[Ser1266Asn]EVLPSAGAFS

ClinVar aggregate classification (germline): Uncertain significance (1 of 4 stars; one submission).

Submission:

Ambry Genetics
Classification: Uncertain significance. Last evaluated: 2024-01-16. Review status: criteria provided, single submitter. Criteria: Ambry Variant Classification Scheme 2023. Collection method: clinical testing. Allele origin: germline.
Comment: The p.S1266N variant (also known as c.3797G>A), located in coding exon 16 of the POLQ gene, results from a G to A substitution at nucleotide position 3797. The serine at codon 1266 is replaced by asparagine, an amino acid with highly similar properties. This amino acid position is conserved. In addition, this alteration is predicted to be tolerated by in silico analysis. Since supporting evidence is limited at this time, the clinical significance of this alteration remains unclear.